The following is an entry in ClinVar:

NM_024426.6(WT1):c.1078A>G (p.Arg360Gly)

Gene: WT1 (WT1 transcription factor; minus strand). Cytogenetic location: 11p13.
Variant type: single nucleotide variant.
Coding change: c.1078A>G on transcript NM_024426.6 (MANE Select); coding-DNA position 1078, A replaced by G.
Protein change: p.Arg360Gly; replaces arginine 360 with glycine.
Molecular consequence: missense variant. On other transcripts: 5 prime UTR variant (1), non-coding transcript variant (1).
Genome position (GRCh38, 1-based): chr11:32,399,983, T>C on the plus strand (A>G on the coding strand, the complement: WT1 is on the minus strand). VCF-style: chr11-32399983-T-C. GRCh37 (hg19) VCF-style: chr11-32421529-T-C.
Other names: c.1027A>G, p.Arg343Gly (NM_000378.6, NM_001407045.1, NM_001407048.1 and 1 more transcripts); c.427A>G, p.Arg143Gly (NM_001198551.2); c.376A>G, p.Arg126Gly (NM_001198552.2); c.-111A>G (NM_001367854.1); c.1072A>G, p.Arg358Gly (NM_001407044.1); c.1078A>G, p.Arg360Gly (NM_001407046.1, NM_024424.5); c.955A>G, p.Arg319Gly (NM_001407047.1); c.904A>G, p.Arg302Gly (NM_001407050.1); and 2 more; short protein forms R126G, R143G, R343G, R360G, R358G, R302G, R319G, R338G.
Identifiers: ClinVar variation 1014715 (VCV001014715.10), dbSNP rs1852099254, ClinGen allele CA379960358.
Genomic context (GRCh38, chr11:32,399,983, plus strand): 5'-CGCTGGGGCCTGTCTGTGTGCTCACCTGAATGCCTCTGAAGACACCGTGCGTGTGTATTC[T>C]GTATTGGGCTCCGCAGAGGATGGGCGTTGTGTGGTTATCGCTCTCGTACCCTGTGCTGTG-3'
Protein context (NP_077744.4, residues 350-370): TTPILCGAQY[Arg360Gly]IHTHGVFRGI

ClinVar aggregate classification (germline): Uncertain significance (1 of 4 stars; one submission).

Conditions:
Frasier syndrome. Identifiers: Orphanet 347, MedGen C0950122, MeSH D052159, MONDO:0007635, OMIM 136680.
Wilms tumor 1 (WT1). Also called: Wilms tumor, somatic. Identifiers: Orphanet 654, MedGen CN033288, MONDO:0008679, OMIM 194070.
11p partial monosomy syndrome (WAGR). Also called: WAGR Complex; WAGR syndrome; CHROMOSOME 11p13 DELETION SYNDROME; WAGR Spectrum Disorder. Identifiers: Orphanet 893, MedGen C0206115, MONDO:0008681, OMIM 194072.
Drash syndrome (DDS). Also called: NEPHROPATHY, WILMS TUMOR, AND GENITAL ANOMALIES; WILMS TUMOR AND PSEUDO- OR TRUE HERMAPHRODITISM. Identifiers: Orphanet 220, MedGen C0950121, MONDO:0008682, OMIM 194080.

Submission:

Labcorp Genetics (formerly Invitae), Labcorp
Classification: Uncertain significance for Wilms tumor 1; Drash syndrome; 11p partial monosomy syndrome; Frasier syndrome. Last evaluated: 2020-08-19. Review status: criteria provided, single submitter. Criteria: Invitae Variant Classification Sherloc (09022015). Collection method: clinical testing. Allele origin: germline.
Comment: This sequence change replaces arginine with glycine at codon 355 of the WT1 protein (p.Arg355Gly). The arginine residue is highly conserved and there is a moderate physicochemical difference between arginine and glycine. This variant is not present in population databases (ExAC no frequency). This variant has not been reported in the literature in individuals with WT1-related conditions. Algorithms developed to predict the effect of missense changes on protein structure and function (SIFT, PolyPhen-2, Align-GVGD) all suggest that this variant is likely to be disruptive, but these predictions have not been confirmed by published functional studies and their clinical significance is uncertain. In summary, the available evidence is currently insufficient to determine the role of this variant in disease. Therefore, it has been classified as a Variant of Uncertain Significance.